The following is an entry in ClinVar:

ClinVar aggregate classification (germline): Likely benign (1 of 4 stars; one submission).

Conditions:
PCNT-related disorder. Also called: PCNT-related condition.

Submission:

PreventionGenetics, part of Exact Sciences
Classification: Likely benign for PCNT-related condition. Last evaluated: 2025-03-19. Review status: criteria provided, single submitter. Criteria: ACMG Guidelines, 2015. Collection method: clinical testing. Allele origin: germline.
Comment: This variant is classified as likely benign based on ACMG/AMP sequence variant interpretation guidelines (Richards et al. 2015 PMID: 25741868, with internal and published modifications).

NM_006031.6(PCNT):c.9567A>G (p.Thr3189=)

Gene: PCNT (pericentrin; plus strand). Cytogenetic location: 21q22.3.
Variant type: single nucleotide variant.
Coding change: c.9567A>G on transcript NM_006031.6 (MANE Select); coding-DNA position 9567, A replaced by G.
Protein change: p.Thr3189=; no amino-acid change (threonine 3189 retained).
Molecular consequence: synonymous variant.
Genome position (GRCh38, 1-based): chr21:46,441,028, A>G. VCF-style: chr21-46441028-A-G. GRCh37 (hg19) VCF-style: chr21-47860941-A-G.
Other names: c.8976A>G, p.Thr2992= (NM_001315529.2).
Identifiers: ClinVar variation 4997871 (VCV004997871.1).